The following is an entry in ClinVar:

NM_001271.4(CHD2):c.4672_4676del (p.Lys1558fs)

Gene: CHD2 (chromodomain helicase DNA binding protein 2; plus strand). Cytogenetic location: 15q26.1.
Variant type: Deletion.
Coding change: c.4672_4676del on transcript NM_001271.4 (MANE Select); coding-DNA positions 4672 to 4676, 5 bases deleted (AAAAG; older notation c.4672_4676delAAAAG).
Protein change: p.Lys1558fs; shifts the reading frame from lysine 1558.
Molecular consequence: frameshift variant.
Genome position (GRCh38, 1-based): chr15:93,012,424-93,012,428, AAAAG deleted; deleting any 5 consecutive bases within chr15:93,012,421-93,012,428 gives the same sequence; the c. name uses the placement nearest the transcript's 3' end. VCF-style (leftmost placement, unchanged base first): chr15-93012420-TAAGAA-T. GRCh37 (hg19) VCF-style: chr15-93555650-TAAGAA-T.
Other names: short protein forms K1558fs.
Identifiers: ClinVar variation 2746949 (VCV002746949.3), dbSNP rs2505624963, ClinGen allele CA2697549416.

ClinVar aggregate classification (germline): Pathogenic (1 of 4 stars; one submission).

Conditions:
Developmental and epileptic encephalopathy 94 (DEE94). Also called: Epileptic encephalopathy, childhood-onset; CHD2-Related Neurodevelopmental Disorders. Identifiers: Orphanet 1942, Orphanet 2382, MedGen C3809278, MONDO:0014150, OMIM 615369.

Submission:

Labcorp Genetics (formerly Invitae), Labcorp
Classification: Pathogenic for Developmental and epileptic encephalopathy 94. Last evaluated: 2023-07-25. Review status: criteria provided, single submitter. Criteria: Invitae Variant Classification Sherloc (09022015). Collection method: clinical testing. Allele origin: germline.
Comment: This sequence change creates a premature translational stop signal (p.Lys1558Valfs*17) in the CHD2 gene. It is expected to result in an absent or disrupted protein product. Loss-of-function variants in CHD2 are known to be pathogenic (PMID: 23708187, 24207121). This variant is not present in population databases (gnomAD no frequency). For these reasons, this variant has been classified as Pathogenic. This variant has not been reported in the literature in individuals affected with CHD2-related conditions.

Literature cited by the submitters: PubMed 23708187; PubMed 24207121.